The following is an entry in ClinVar:

ClinVar aggregate classification (germline): Benign. Review status: criteria provided, multiple submitters, no conflicts (2 of 4 stars). 4 submissions from 4 submitters: Benign (4). Last evaluated 2024-07-15.

Allele frequency attached by ClinVar (database versions not stated): 1000 Genomes Project 0.42312; 1000 Genomes Project 30x 0.42645; ExAC 0.51006; gnomAD exomes 0.51349 and 0.60820; TOPMed 0.53056; gnomAD 0.54555 and 0.55392.
gnomAD v4.1: 922,296 of 1,535,812 alleles (60%); highest among the groups gnomAD compares: Non-Finnish European, 64%; 284,039 homozygotes.

Submissions (4):

Unidad de Genómica Garrahan, Hospital de Pediatría Garrahan
Classification: Benign. Last evaluated: 2024-07-15. Review status: criteria provided, single submitter. Criteria: ACMG Guidelines, 2015. Collection method: clinical testing. Allele origin: germline. Affected: no. Observed: 59 variant alleles.
Comment: This variant is classified as Benign based on local population frequency. This variant was detected in 63% of patients studied in a panel designed for Epileptic and Developmental Encephalopathy and Progressive Myoclonus Epilepsy. Number of patients: 59. Only high quality variants are reported.

Blueprint Genetics
Classification: Benign. Last evaluated: 2023-03-28. Review status: criteria provided, single submitter. Criteria: ACMG Guidelines, 2015. Collection method: clinical testing. Allele origin: germline.

GeneDx
Classification: Benign. Last evaluated: 2018-06-18. Review status: criteria provided, single submitter. Criteria: GeneDx Variant Classification Process June 2021. Collection method: clinical testing. Allele origin: germline. Affected: yes.

Breakthrough Genomics
Classification: Benign. Review status: criteria provided, single submitter. Criteria: ACMG Guidelines, 2015. Collection method: not provided. Allele origin: germline. Inheritance: Autosomal recessive inheritance. Affected: yes.

NM_016373.4(WWOX):c.*268T>C

Genes: MAF (MAF bZIP transcription factor; minus strand), WWOX (WW domain containing oxidoreductase; plus strand). Cytogenetic location: 16q23.2.
Variant type: single nucleotide variant.
Coding change: c.*268T>C on transcript NM_016373.4 (MANE Select); 268 bases downstream of the stop codon, T replaced by C.
Molecular consequence: 3 prime UTR variant.
Genome position (GRCh38, 1-based): chr16:79,212,064, T>C. VCF-style: chr16-79212064-T-C. GRCh37 (hg19) VCF-style: chr16-79245961-T-C.
Other names: c.*268T>C (NM_001291997.2).
Identifiers: ClinVar variation 1244788 (VCV001244788.6), dbSNP rs2288033, ClinGen allele CA8183896.